The following is an entry in ClinVar:

NM_001367721.1(CASK):c.1046A>G (p.Gln349Arg)

Gene: CASK (calcium/calmodulin dependent serine protein kinase; minus strand). Cytogenetic location: Xp11.4.
Variant type: single nucleotide variant.
Coding change: c.1046A>G on transcript NM_001367721.1 (MANE Select); coding-DNA position 1046, A replaced by G.
Protein change: p.Gln349Arg; replaces glutamine 349 with arginine.
Molecular consequence: missense variant.
Genome position (GRCh38, 1-based): chrX:41,610,013, T>C on the plus strand (A>G on the coding strand, the complement: CASK is on the minus strand). VCF-style: chrX-41610013-T-C. GRCh37 (hg19) VCF-style: chrX-41469266-T-C.
Other names: c.1046A>G, p.Gln349Arg (NM_001126054.3, NM_003688.4); c.1028A>G, p.Gln343Arg (NM_001126055.3, NM_001410745.1); short protein forms Q343R, Q349R.
Identifiers: ClinVar variation 1713865 (VCV001713865.5), dbSNP rs750903449, ClinGen allele CA10390268.

ClinVar aggregate classification (germline): Uncertain significance (1 of 4 stars; one submission).

Conditions:
Intellectual disability, CASK-related, X-linked. Identifiers: MedGen CN043158.

Allele frequency attached by ClinVar (database versions not stated): gnomAD exomes below 0.00001; ExAC 0.00001.
gnomAD v4.1: 1 of 1,210,323 alleles (0.000083%); highest among the groups gnomAD compares: Admixed American, 0.0022%; no homozygotes.

Submission:

Labcorp Genetics (formerly Invitae), Labcorp
Classification: Uncertain significance for Intellectual disability, CASK-related, X-linked. Last evaluated: 2022-07-15. Review status: criteria provided, single submitter. Criteria: Invitae Variant Classification Sherloc (09022015). Collection method: clinical testing. Allele origin: germline.
Comment: This sequence change replaces glutamine, which is neutral and polar, with arginine, which is basic and polar, at codon 349 of the CASK protein (p.Gln349Arg). This variant is present in population databases (rs750903449, gnomAD 0.004%). This variant has not been reported in the literature in individuals affected with CASK-related conditions. Algorithms developed to predict the effect of missense changes on protein structure and function are either unavailable or do not agree on the potential impact of this missense change (SIFT: "Deleterious"; PolyPhen-2: "Benign"; Align-GVGD: "Class C35"). In summary, the available evidence is currently insufficient to determine the role of this variant in disease. Therefore, it has been classified as a Variant of Uncertain Significance.